The following is an entry in ClinVar:

NM_005611.4(RBL2):c.1179+1_1179+5del

Gene: RBL2 (RB transcriptional corepressor like 2; plus strand). Cytogenetic location: 16q12.2.
Variant type: Deletion.
Coding change: c.1179+1_1179+5del on transcript NM_005611.4 (MANE Select); the canonical splice donor site of the intron after coding-DNA position 1179 through 5 bases into the intron after coding-DNA position 1179, 5 bases deleted (GTGAG; older notation c.1179+1_1179+5delGTGAG).
Molecular consequence: splice donor variant.
Genome position (GRCh38, 1-based): chr16:53,454,843-53,454,847, GTGAG deleted; deleting any 5 consecutive bases within chr16:53,454,841-53,454,847 gives the same sequence; the c. name uses the placement nearest the transcript's 3' end. VCF-style (leftmost placement, unchanged base first): chr16-53454840-AAGGTG-A. GRCh37 (hg19) VCF-style: chr16-53488752-AAGGTG-A.
Other names: c.1179+1_1179+5del (NM_001323608.2, NM_001323609.2, NM_001323610.2); c.957+1_957+5del (NM_001323611.1).
Identifiers: ClinVar variation 3359477 (VCV003359477.2).

ClinVar aggregate classification (germline): Pathogenic (1 of 4 stars; one submission).

Submission:

GeneDx
Classification: Pathogenic. Last evaluated: 2026-05-01. Review status: criteria provided, single submitter. Criteria: GeneDx Variant Classification Process June 2021. Collection method: clinical testing. Allele origin: germline.
Comment: Canonical splice site variant predicted to result in a null allele in a gene for which loss of function is a known mechanism of disease; This variant is associated with the following publications: (PMID: 39692517)